The following is an entry in ClinVar:

NM_017433.5(MYO3A):c.4132A>G (p.Arg1378Gly)

Gene: MYO3A (myosin IIIA; plus strand). Cytogenetic location: 10p12.1.
Variant type: single nucleotide variant.
Coding change: c.4132A>G on transcript NM_017433.5 (MANE Select); coding-DNA position 4132, A replaced by G.
Protein change: p.Arg1378Gly; replaces arginine 1378 with glycine.
Molecular consequence: missense variant.
Genome position (GRCh38, 1-based): chr10:26,174,396, A>G. VCF-style: chr10-26174396-A-G. GRCh37 (hg19) VCF-style: chr10-26463325-A-G.
Other names: short protein forms R1378G.
Identifiers: ClinVar variation 1315027 (VCV001315027.5), dbSNP rs769527236, ClinGen allele CA5445381.

ClinVar aggregate classification (germline): Uncertain significance. Review status: criteria provided, multiple submitters, no conflicts (2 of 4 stars). 2 submissions from 2 submitters: Uncertain significance (2). Last evaluated 2022-11-20.

Allele frequency attached by ClinVar (database versions not stated): gnomAD exomes below 0.00001; TOPMed below 0.00001; ExAC 0.00001; gnomAD 0.00001.
gnomAD v4.1: 51 of 1,614,112 alleles (0.0032%); highest among the groups gnomAD compares: Non-Finnish European, 0.0043%; no homozygotes.

Submissions (2):

Labcorp Genetics (formerly Invitae), Labcorp
Classification: Uncertain significance. Last evaluated: 2022-11-20. Review status: criteria provided, single submitter. Criteria: Invitae Variant Classification Sherloc (09022015). Collection method: clinical testing. Allele origin: germline.
Comment: This sequence change replaces arginine, which is basic and polar, with glycine, which is neutral and non-polar, at codon 1378 of the MYO3A protein (p.Arg1378Gly). In summary, the available evidence is currently insufficient to determine the role of this variant in disease. Therefore, it has been classified as a Variant of Uncertain Significance. Advanced modeling of protein sequence and biophysical properties (such as structural, functional, and spatial information, amino acid conservation, physicochemical variation, residue mobility, and thermodynamic stability) performed at Invitae indicates that this missense variant is not expected to disrupt MYO3A protein function. ClinVar contains an entry for this variant (Variation ID: 1315027). This variant has not been reported in the literature in individuals affected with MYO3A-related conditions. This variant is present in population databases (rs769527236, gnomAD 0.002%).

GeneDx
Classification: Uncertain significance. Last evaluated: 2021-10-07. Review status: criteria provided, single submitter. Criteria: GeneDx Variant Classification Process June 2021. Collection method: clinical testing. Allele origin: germline. Affected: yes.
Comment: Not observed at significant frequency in large population cohorts (Lek et al., 2016); In silico analysis supports that this missense variant does not alter protein structure/function; Has not been previously published as pathogenic or benign to our knowledge